The following is an entry in ClinVar:

ClinVar aggregate classification (germline): Uncertain significance (1 of 4 stars; one submission).

Conditions:
PLXNA4-related disorder. Also called: PLXNA4-related condition.

Submission:

PreventionGenetics, part of Exact Sciences
Classification: Uncertain significance for PLXNA4-related condition. Last evaluated: 2025-08-04. Review status: criteria provided, single submitter. Criteria: ACMG Guidelines, 2015. Collection method: clinical testing. Allele origin: germline.
Comment: The PLXNA4 c.467A>C variant is predicted to result in the amino acid substitution p.Lys156Thr. To our knowledge, this variant has not been reported in the literature or in a large population database (gnomAD), indicating this variant is rare. At this time, the clinical significance of this variant is uncertain due to the absence of conclusive functional and genetic evidence.

NM_020911.2(PLXNA4):c.467A>C (p.Lys156Thr)

Gene: PLXNA4 (plexin A4; minus strand). Cytogenetic location: 7q32.3.
Variant type: single nucleotide variant.
Coding change: c.467A>C on transcript NM_020911.2 (MANE Select); coding-DNA position 467, A replaced by C.
Protein change: p.Lys156Thr; replaces lysine 156 with threonine.
Molecular consequence: missense variant.
Genome position (GRCh38, 1-based): chr7:132,508,227, T>G on the plus strand (A>C on the coding strand, the complement: PLXNA4 is on the minus strand). VCF-style: chr7-132508227-T-G. GRCh37 (hg19) VCF-style: chr7-132192986-T-G.
Other names: c.467A>C, p.Lys156Thr (NM_001105543.2, NM_001393897.1, NM_181775.4); short protein forms K156T.
Identifiers: ClinVar variation 4998668 (VCV004998668.1).